The following is an entry in ClinVar:

ClinVar aggregate classification (germline): Likely pathogenic (1 of 4 stars; one submission).

Conditions:
FAT1-related disorder. Also called: FAT1-related condition.

Submission:

PreventionGenetics, part of Exact Sciences
Classification: Likely pathogenic for FAT1-related condition. Last evaluated: 2025-02-18. Review status: criteria provided, single submitter. Criteria: ACMG Guidelines, 2015. Collection method: clinical testing. Allele origin: germline.
Comment: The FAT1 c.6508delG variant is predicted to result in a frameshift and premature protein termination (p.Val2170Phefs*6). To our knowledge, this variant has not been reported in the literature or in a large population database, indicating this variant is rare. Frameshift variants in FAT1 are expected to be pathogenic for autosomal recessive FAT1-related disorders. In particular, homozygous loss-of-function variants in FAT1 have been reported in multiple unrelated individuals with colobomatous-microphthalmia, ptosis, nephropathy and syndactyly (Lahrouchi et al. 2019. PubMed ID: 30862798). However, a few reports of heterozygous truncating variants have also been reported in individuals with autism-related phenotypes (see, for example, Supplementary Table 20, Fu. 2022. PubMed ID: 35982160; Table 3, Griswold et al. 2015. PubMed ID: 26185613). At this time, this variant is interpreted as likely pathogenic for autosomal recessive FAT1-related disorders, but interpreted as uncertain for autism-related phenotypes.

NM_005245.4(FAT1):c.6508del (p.Val2170fs)

Gene: FAT1 (FAT atypical cadherin 1; minus strand). Cytogenetic location: 4q35.2.
Variant type: Deletion.
Coding change: c.6508del on transcript NM_005245.4 (MANE Select); coding-DNA position 6508, one base deleted (G; older notation c.6508delG).
Protein change: p.Val2170fs; shifts the reading frame from valine 2170.
Molecular consequence: frameshift variant.
Genome position (GRCh38, 1-based): chr4:186,620,078, C deleted on the plus strand (G on the coding strand, the reverse complement: FAT1 is on the minus strand). VCF-style (leftmost placement, unchanged base first): chr4-186620077-AC-A. GRCh37 (hg19) VCF-style: chr4-187541231-AC-A.
Other names: c.6508del, p.Val2170fs (NM_001440455.1, NM_001440456.1, NM_001440457.1); short protein forms V2170fs.
Identifiers: ClinVar variation 5002311 (VCV005002311.1).